The following is an entry in ClinVar:

NM_001302998.2(LIPI):c.733+6C>G

Gene: LIPI (lipase I; minus strand). Cytogenetic location: 21q11.2.
Variant type: single nucleotide variant.
Coding change: c.733+6C>G on transcript NM_001302998.2 (MANE Select); 6 bases into the intron after coding-DNA position 733, C replaced by G.
Molecular consequence: intron variant.
Genome position (GRCh38, 1-based): chr21:14,166,356, G>C on the plus strand (C>G on the coding strand, the complement: LIPI is on the minus strand). VCF-style: chr21-14166356-G-C. GRCh37 (hg19) VCF-style: chr21-15538677-G-C.
Other names: c.598+6C>G (NM_198996.4); c.238+6C>G (NM_001379566.1); c.644-966C>G (NM_001302999.2); c.733+6C>G (NM_001379565.1, NM_001303000.2, NM_001303001.2).
Identifiers: ClinVar variation 2187226 (VCV002187226.4), dbSNP rs747646234, ClinGen allele CA9979566.

ClinVar aggregate classification (germline): Uncertain significance (1 of 4 stars; one submission).

Allele frequency attached by ClinVar (database versions not stated): ExAC 0.00002; gnomAD 0.00002; TOPMed 0.00003.
gnomAD v4.1: 36 of 1,463,208 alleles (0.0025%); highest among the groups gnomAD compares: Admixed American, 0.01%; no homozygotes.

Submission:

Labcorp Genetics (formerly Invitae), Labcorp
Classification: Uncertain significance. Last evaluated: 2025-06-11. Review status: criteria provided, single submitter. Criteria: Invitae Variant Classification Sherloc (09022015). Collection method: clinical testing. Allele origin: germline.
Comment: This sequence change falls in intron 5 of the LIPI gene. It does not directly change the encoded amino acid sequence of the LIPI protein. It affects a nucleotide within the consensus splice site. This variant is present in population databases (rs747646234, gnomAD 0.01%). This variant has not been reported in the literature in individuals affected with LIPI-related conditions. ClinVar contains an entry for this variant (Variation ID: 2187226). Variants that disrupt the consensus splice site are a relatively common cause of aberrant splicing (PMID: 17576681, 9536098). Algorithms developed to predict the effect of sequence changes on RNA splicing suggest that this variant is not likely to affect RNA splicing. In summary, the available evidence is currently insufficient to determine the role of this variant in disease. Therefore, it has been classified as a Variant of Uncertain Significance.

Literature cited by the submitters: PubMed 17576681; PubMed 9536098.